The following is an entry in ClinVar:

ClinVar aggregate classification (germline): Uncertain significance (1 of 4 stars; one submission).

Conditions:
Xeroderma pigmentosum, group F (XPF). Also called: XERODERMA PIGMENTOSUM, COMPLEMENTATION GROUP F; XERODERMA PIGMENTOSUM VI; XP, GROUP F; ERCC4-Related Xeroderma Pigmentosum; XERODERMA PIGMENTOSUM, TYPE F; Xeroderma pigmentosum, type 6. Identifiers: MedGen C0268140, MONDO:0010215, OMIM 278760.
Fanconi anemia complementation group Q. Identifiers: Orphanet 84, MedGen C3808988, MONDO:0014108, OMIM 615272.
Cockayne syndrome. Identifiers: Orphanet 191, MedGen C0009207, MONDO:0016006.

Submission:

Labcorp Genetics (formerly Invitae), Labcorp
Classification: Uncertain significance for Fanconi anemia complementation group Q; Xeroderma pigmentosum, group F; Cockayne syndrome. Last evaluated: 2023-05-08. Review status: criteria provided, single submitter. Criteria: Invitae Variant Classification Sherloc (09022015). Collection method: clinical testing. Allele origin: germline.
Comment: This variant is not present in population databases (gnomAD no frequency). In summary, the available evidence is currently insufficient to determine the role of this variant in disease. Therefore, it has been classified as a Variant of Uncertain Significance. Advanced modeling of protein sequence and biophysical properties (such as structural, functional, and spatial information, amino acid conservation, physicochemical variation, residue mobility, and thermodynamic stability) performed at Invitae indicates that this missense variant is not expected to disrupt ERCC4 protein function. This variant has not been reported in the literature in individuals affected with ERCC4-related conditions. This sequence change replaces serine, which is neutral and polar, with glycine, which is neutral and non-polar, at codon 743 of the ERCC4 protein (p.Ser743Gly).

NM_005236.3(ERCC4):c.2227A>G (p.Ser743Gly)

Gene: ERCC4 (ERCC excision repair 4, endonuclease catalytic subunit; plus strand). Cytogenetic location: 16p13.12.
Variant type: single nucleotide variant.
Coding change: c.2227A>G on transcript NM_005236.3 (MANE Select); coding-DNA position 2227, A replaced by G.
Protein change: p.Ser743Gly; replaces serine 743 with glycine.
Molecular consequence: missense variant.
Genome position (GRCh38, 1-based): chr16:13,947,823, A>G. VCF-style: chr16-13947823-A-G. GRCh37 (hg19) VCF-style: chr16-14041680-A-G.
Other names: short protein forms S743G.
Identifiers: ClinVar variation 2939065 (VCV002939065.3), dbSNP rs2543195485, ClinGen allele CA394822596.